The following is an entry in ClinVar:

ClinVar aggregate classification (germline): Uncertain significance. Review status: criteria provided, multiple submitters, no conflicts (2 of 4 stars). 2 submissions from 2 submitters: Uncertain significance (2). Last evaluated 2024-11-18.

Allele frequency attached by ClinVar (database versions not stated): gnomAD 0.00011; ESP Exome Variant Server 0.00015; ExAC 0.00017; gnomAD exomes 0.00019; TOPMed 0.00021.
gnomAD v4.1: 291 of 1,581,256 alleles (0.018%); highest among the groups gnomAD compares: Middle Eastern, 0.034%; 1 homozygote.

Submissions (2):

Blueprint Genetics
Classification: Uncertain significance. Last evaluated: 2024-11-18. Review status: criteria provided, single submitter. Criteria: ACMG Guidelines, 2015. Collection method: clinical testing. Allele origin: germline.

Labcorp Genetics (formerly Invitae), Labcorp
Classification: Uncertain significance. Last evaluated: 2023-10-04. Review status: criteria provided, single submitter. Criteria: Invitae Variant Classification Sherloc (09022015). Collection method: clinical testing. Allele origin: germline.
Comment: This sequence change replaces histidine, which is basic and polar, with arginine, which is basic and polar, at codon 757 of the NUP107 protein (p.His757Arg). This variant is present in population databases (rs145995997, gnomAD 0.02%). This variant has not been reported in the literature in individuals affected with NUP107-related conditions. ClinVar contains an entry for this variant (Variation ID: 2039497). Advanced modeling of protein sequence and biophysical properties (such as structural, functional, and spatial information, amino acid conservation, physicochemical variation, residue mobility, and thermodynamic stability) performed at Invitae indicates that this missense variant is not expected to disrupt NUP107 protein function. In summary, the available evidence is currently insufficient to determine the role of this variant in disease. Therefore, it has been classified as a Variant of Uncertain Significance.

NM_020401.4(NUP107):c.2270A>G (p.His757Arg)

Gene: NUP107 (nucleoporin 107; plus strand). Cytogenetic location: 12q15.
Variant type: single nucleotide variant.
Coding change: c.2270A>G on transcript NM_020401.4 (MANE Select); coding-DNA position 2270, A replaced by G.
Protein change: p.His757Arg; replaces histidine 757 with arginine.
Molecular consequence: missense variant.
Genome position (GRCh38, 1-based): chr12:68,734,715, A>G. VCF-style: chr12-68734715-A-G. GRCh37 (hg19) VCF-style: chr12-69128495-A-G.
Other names: c.2183A>G, p.His728Arg (NM_001330192.2); short protein forms H728R, H757R.
Identifiers: ClinVar variation 2039497 (VCV002039497.3), dbSNP rs145995997, ClinGen allele CA6678099.
Genomic context (GRCh38, chr12:68,734,715, plus strand): 5'-AAAGTGAAAACTTTTGTTATTTTATATTTTGGTTTTTTTATTTCACATTTTAGGAAGCCC[A>G]TGAAACCTTTAATGAGTGGTTTAAGCATATGAATTCAGTTCCACAAAAACCTGCTTTGAT-3'
Protein context (NP_065134.1, residues 747-767): HLCIRAYLEA[His757Arg]ETFNEWFKHM